The following is an entry in ClinVar:

ClinVar aggregate classification (germline): Pathogenic (1 of 4 stars; one submission).

Conditions:
Hereditary spastic paraplegia 4. Also called: Spastic paraplegia 4, autosomal dominant; Familial spastic paraplegia autosomal dominant 2; Spastic Paraplegia 4. Identifiers: Orphanet 100985, MedGen C1866855, MONDO:0008438, OMIM 182601.

Submission:

Labcorp Genetics (formerly Invitae), Labcorp
Classification: Pathogenic for Hereditary spastic paraplegia 4. Last evaluated: 2021-08-04. Review status: criteria provided, single submitter. Criteria: Invitae Variant Classification Sherloc (09022015). Collection method: clinical testing. Allele origin: germline.
Comment: This variant is a gross deletion of the genomic region encompassing exon(s) 4-7 of the SPAST gene. This deletion is out-of-frame, and is expected to create a premature translational stop signal and result in an absent or disrupted protein product. Loss-of-function variants in SPAST are known to be pathogenic (PMID: 20932283). A similar copy number variant has been observed in individuals with clinical features of spastic paraplegia (PMID: 22203332). For these reasons, this variant has been classified as Pathogenic.

Literature cited by the submitters: PubMed 20932283; PubMed 22203332.

NC_000002.12:g.(?_32098786)_(32116222_?)del

Gene: SPAST (spastin; plus strand). Cytogenetic location: 2p22.3.
Variant type: Deletion.
Identifiers: ClinVar variation 832540 (VCV000832540.2).